The following is an entry in ClinVar:

NM_003074.4(SMARCC1):c.1799G>C (p.Gly600Ala)

Gene: SMARCC1 (SWI/SNF related BAF chromatin remodeling complex subunit C1; minus strand). Cytogenetic location: 3p21.31.
Variant type: single nucleotide variant.
Coding change: c.1799G>C on transcript NM_003074.4 (MANE Select); coding-DNA position 1799, G replaced by C.
Protein change: p.Gly600Ala; replaces glycine 600 with alanine.
Molecular consequence: missense variant.
Genome position (GRCh38, 1-based): chr3:47,675,515, C>G on the plus strand (G>C on the coding strand, the complement: SMARCC1 is on the minus strand). VCF-style: chr3-47675515-C-G. GRCh37 (hg19) VCF-style: chr3-47717005-C-G.
Other names: short protein forms G600A.
Identifiers: ClinVar variation 4755657 (VCV004755657.2).

ClinVar aggregate classification (germline): Uncertain significance (1 of 4 stars; one submission).

Submission:

GeneDx
Classification: Uncertain significance. Last evaluated: 2026-05-01. Review status: criteria provided, single submitter. Criteria: GeneDx Variant Classification Process June 2021. Collection method: clinical testing. Allele origin: germline.
Comment: Not observed at significant frequency in large population cohorts (gnomAD); In silico analysis supports that this missense variant has a deleterious effect on protein structure/function; Has not been previously published as pathogenic or benign to our knowledge